The following is an entry in ClinVar:

NM_020163.3(SEMA3G):c.1041del (p.Asp348fs)

Gene: SEMA3G (semaphorin 3G; minus strand). Cytogenetic location: 3p21.1.
Variant type: Deletion.
Coding change: c.1041del on transcript NM_020163.3 (MANE Select); coding-DNA position 1041, one base deleted (A; older notation c.1041delA).
Protein change: p.Asp348fs; shifts the reading frame from aspartic acid 348.
Molecular consequence: frameshift variant.
Genome position (GRCh38, 1-based): chr3:52,440,479, T deleted on the plus strand (A on the coding strand, the reverse complement: SEMA3G is on the minus strand). VCF-style (leftmost placement, unchanged base first): chr3-52440478-CT-C. GRCh37 (hg19) VCF-style: chr3-52474494-CT-C.
Other names: short protein forms D348fs.
Identifiers: ClinVar variation 4999267 (VCV004999267.1).

ClinVar aggregate classification (germline): Uncertain significance (1 of 4 stars; one submission).

Conditions:
SEMA3G-related disorder. Also called: SEMA3G-related condition.

Submission:

PreventionGenetics, part of Exact Sciences
Classification: Uncertain significance for SEMA3G-related condition. Last evaluated: 2025-01-22. Review status: criteria provided, single submitter. Criteria: ACMG Guidelines, 2015. Collection method: clinical testing. Allele origin: germline.
Comment: The SEMA3G c.1041delA variant is predicted to result in a frameshift and premature protein termination (p.Asp348Thrfs*39). To our knowledge, this variant has not been reported in the literature. This variant is reported in 0.0066% of alleles in individuals of South Asian descent in gnomAD. Loss of function variants has not commonly been reported for the SEMA3G gene. At this time, the clinical significance of this variant is uncertain due to the absence of conclusive functional and genetic evidence.